The following is an entry in ClinVar:

NC_000019.9:g.(?_852323)_(1222011_?)del

Genes: ABCA7 (ATP binding cassette subfamily A member 7; plus strand), ARHGAP45 (Rho GTPase activating protein 45; plus strand), ARID3A (AT-rich interaction domain 3A; plus strand), CFD (complement factor D; plus strand), CNN2 (calponin 2; plus strand) and 11 more. Cytogenetic location: 19p13.3.
Variant type: Deletion.
Identifiers: ClinVar variation 584311 (VCV000584311.9).

ClinVar aggregate classification (germline): Pathogenic (1 of 4 stars; one submission).

Conditions:
Peutz-Jeghers syndrome (PJS). Also called: POLYPOSIS, HAMARTOMATOUS INTESTINAL; POLYPS-AND-SPOTS SYNDROME; Peutz-Jeghers polyposis; Periorificial lentiginosis syndrome. Identifiers: Orphanet 2869, MedGen C0031269, MeSH D010580, MONDO:0008280, OMIM 175200.

Submission:

Labcorp Genetics (formerly Invitae), Labcorp
Classification: Pathogenic for Peutz-Jeghers syndrome. Last evaluated: 2022-08-16. Review status: criteria provided, single submitter. Criteria: Invitae Variant Classification Sherloc (09022015). Collection method: clinical testing. Allele origin: germline.
Comment: For these reasons, this variant has been classified as Pathogenic. A similar copy number variant has been observed in individual(s) with Peutz-Jeghers syndrome (PMID: 20623358, 21118512, 27550049). This variant is a gross deletion of the genomic region encompassing exon(s) 1-7 of the STK11 gene, which includes the initiator codon. This deletion extends beyond the assayed region for this gene and therefore may encompass additional genes. It is expected to result in an absent or disrupted protein product. Loss-of-function variants in STK11 are known to be pathogenic (PMID: 15188174, 16287113).

Literature cited by the submitters: PubMed 20623358; PubMed 21118512; PubMed 27550049; PubMed 15188174; PubMed 16287113.